The following is an entry in ClinVar:

ClinVar aggregate classification (germline): Likely pathogenic (1 of 4 stars; one submission).

Conditions:
Intellectual developmental disorder, X-linked, syndromic, Houge type. Also called: MENTAL RETARDATION, X-LINKED, SYNDROMIC, HOUGE TYPE; Intellectual disability, X-linked, syndromic, Houge type. Identifiers: MedGen C4538788, MONDO:0030909, OMIM 301008.

Submission:

Juno Genomics, Hangzhou Juno Genomics, Inc
Classification: Likely pathogenic for Intellectual developmental disorder, X-linked, syndromic, Houge type. Review status: criteria provided, single submitter. Criteria: ACMG Guidelines, 2015. Collection method: clinical testing. Allele origin: germline. Affected: yes.
Comment: Absent from controls (or at extremely low frequency if recessive) in Genome Aggregation Database.;Null variant in a gene where loss of function (LOF) is a known mechanism of disease.

NM_014927.5(CNKSR2):c.1608+1G>A

Gene: CNKSR2 (connector enhancer of kinase suppressor of Ras 2; plus strand). Cytogenetic location: Xp22.12.
Variant type: single nucleotide variant.
Coding change: c.1608+1G>A on transcript NM_014927.5 (MANE Select); the canonical splice donor site of the intron after coding-DNA position 1608, G replaced by A.
Molecular consequence: splice donor variant.
Genome position (GRCh38, 1-based): chrX:21,563,453, G>A. VCF-style: chrX-21563453-G-A. GRCh37 (hg19) VCF-style: chrX-21581571-G-A.
Other names: c.1518+1G>A (NM_001168647.3, NM_001330773.2); c.1461+1G>A (NM_001330770.2, NM_001168649.3); c.1371+1G>A (NM_001330772.2, NM_001330771.2); c.1608+1G>A (NM_001168648.3).
Identifiers: ClinVar variation 5007691 (VCV005007691.1).
Genomic context (GRCh38, chrX:21,563,453, plus strand): 5'-ATGGATGCACTGAGACAAGACATCATGGGCACTCCTGTGCCAGAGACCACACTATACCAT[G>A]TAAGTAAAATTTCAAAGACTCTTCAATACAGCTTTTATTGGAAGACTGGCAAGTGACTCT-3'